The following is an entry in ClinVar:

NM_000059.4(BRCA2):c.128del (p.Asn43fs)

Gene: BRCA2 (BRCA2 DNA repair associated; plus strand). Cytogenetic location: 13q13.1.
Variant type: Deletion.
Coding change: c.128del on transcript NM_000059.4 (MANE Select); coding-DNA position 128, one base deleted (A; older notation c.128delA).
Protein change: p.Asn43fs; shifts the reading frame from asparagine 43.
Molecular consequence: frameshift variant.
Genome position (GRCh38, 1-based): chr13:32,319,137, A deleted; the last of 2 consecutive A bases (chr13:32,319,136-32,319,137); deleting either gives the same sequence. VCF-style (leftmost placement, unchanged base first): chr13-32319135-TA-T. GRCh37 (hg19) VCF-style: chr13-32893272-TA-T.
Other names: 356delA; c.128delA (NM_000059.3); short protein forms N43fs.
Identifiers: ClinVar variation 51096 (VCV000051096.9), dbSNP rs80359275, ClinGen allele CA011465.

ClinVar aggregate classification (germline): Pathogenic. Review status: reviewed by expert panel (3 of 4 stars). 4 submissions from 4 submitters: Pathogenic (1). 3 of the submissions do not count toward it. Last evaluated 2016-09-08.

Conditions:
Hereditary cancer-predisposing syndrome. Also called: Hereditary Cancer Syndrome; Hereditary neoplastic syndrome; Neoplastic Syndromes, Hereditary; Tumor predisposition. Identifiers: Orphanet 140162, MedGen C0027672, MeSH D009386, MONDO:0015356.
Hereditary breast ovarian cancer syndrome. Also called: Hereditary breast and ovarian cancer syndrome (HBOC); Hereditary breast and ovarian cancer syndrome; Hereditary breast and/or ovarian cancer syndrome; Breast and ovarian cancer; BRCA1- and BRCA2-Associated Hereditary Breast and Ovarian Cancer; Hereditary breast and ovarian cancer. Identifiers: Orphanet 145, MedGen C0677776, MeSH D061325, MONDO:0003582. Disease mechanism: loss of function.
Breast-ovarian cancer, familial, susceptibility to, 2 (BROVCA2). Also called: BRCA2 Hereditary Breast and Ovarian Cancer. Identifiers: Orphanet 145, MedGen C2675520, MONDO:0012933, OMIM 612555. Disease mechanism: loss of function.

Submissions (4):

Evidence-based Network for the Interpretation of Germline Mutant Alleles (ENIGMA)
Classification: Pathogenic for Breast-ovarian cancer, familial, susceptibility to, 2. Last evaluated: 2016-09-08. Review status: reviewed by expert panel. Criteria: ENIGMA BRCA1/2 Classification Criteria (2015). Collection method: curation. Allele origin: germline.
Comment: Variant allele predicted to encode a truncated non-functional protein.

Ambry Genetics
Classification: Pathogenic for Hereditary cancer-predisposing syndrome. Last evaluated: 2026-01-05. Review status: criteria provided, single submitter. Criteria: Ambry Variant Classification Scheme 2023. Collection method: clinical testing. Allele origin: germline. Not counted in ClinVar's aggregate classification.
Comment: The c.128delA variant, located in coding exon 2 of the BRCA2 gene, results from a deletion of one nucleotide at nucleotide position 128, causing a translational frameshift with a predicted alternate stop codon (p.N43Ifs*37). This variant is considered to be rare based on population cohorts in the Genome Aggregation Database (gnomAD). This alteration is expected to result in loss of function by premature protein truncation or nonsense-mediated mRNA decay. As such, this alteration is interpreted as a disease-causing mutation.

Labcorp Genetics (formerly Invitae), Labcorp
Classification: Pathogenic for Hereditary breast ovarian cancer syndrome. Last evaluated: 2024-04-29. Review status: criteria provided, single submitter. Criteria: Invitae Variant Classification Sherloc (09022015). Collection method: clinical testing. Allele origin: germline. Not counted in ClinVar's aggregate classification.
Comment: This sequence change creates a premature translational stop signal (p.Asn43Ilefs*37) in the BRCA2 gene. It is expected to result in an absent or disrupted protein product. Loss-of-function variants in BRCA2 are known to be pathogenic (PMID: 20104584). This variant is not present in population databases (gnomAD no frequency). This variant has not been reported in the literature in individuals affected with BRCA2-related conditions. ClinVar contains an entry for this variant (Variation ID: 51096). For these reasons, this variant has been classified as Pathogenic.

Breast Cancer Information Core (BIC) (BRCA2)
Classification: Pathogenic for Breast-ovarian cancer, familial 2. Review status: no assertion criteria provided. Collection method: clinical testing. Allele origin: germline. Affected: yes. Observed: 1 variant allele. Not counted in ClinVar's aggregate classification.

Literature cited by the submitters: PubMed 20104584 (cited by Labcorp Genetics (formerly Invitae), Labcorp).